The following is an entry in ClinVar:

NM_000038.6(APC):c.4279C>G (p.Pro1427Ala)

Gene: APC (APC regulator of Wnt signaling pathway; plus strand). Cytogenetic location: 5q22.2.
Variant type: single nucleotide variant.
Coding change: c.4279C>G on transcript NM_000038.6 (MANE Select); coding-DNA position 4279, C replaced by G.
Protein change: p.Pro1427Ala; replaces proline 1427 with alanine.
Molecular consequence: missense variant.
Genome position (GRCh38, 1-based): chr5:112,839,873, C>G. VCF-style: chr5-112839873-C-G. GRCh37 (hg19) VCF-style: chr5-112175570-C-G.
Other names: c.4279C>G, p.Pro1427Ala (NM_001127510.3, NM_001354895.2); c.4225C>G, p.Pro1409Ala (NM_001127511.3); c.4333C>G, p.Pro1445Ala (NM_001354896.2); c.4309C>G, p.Pro1437Ala (NM_001354897.2); c.4204C>G, p.Pro1402Ala (NM_001354898.2); c.4195C>G, p.Pro1399Ala (NM_001354899.2); c.4156C>G, p.Pro1386Ala (NM_001354900.2); c.4102C>G, p.Pro1368Ala (NM_001354901.2); and 5 more; short protein forms P1409A, P1427A, P1144A, P1386A, P1402A, P1437A, P1445A, P1301A.
Identifiers: ClinVar variation 230312 (VCV000230312.22), dbSNP rs876658499, ClinGen allele CA10578373.

ClinVar aggregate classification (germline): Uncertain significance. Review status: criteria provided, multiple submitters, no conflicts (2 of 4 stars). 6 submissions from 6 submitters: Uncertain significance (6). Last evaluated 2024-11-06.

Conditions:
Hereditary cancer-predisposing syndrome. Also called: Hereditary neoplastic syndrome; Hereditary Cancer Syndrome; Neoplastic Syndromes, Hereditary; Tumor predisposition. Identifiers: Orphanet 140162, MedGen C0027672, MeSH D009386, MONDO:0015356.
Familial adenomatous polyposis 1 (FAP1). Also called: FAMILIAL ADENOMATOUS POLYPOSIS 1, ATTENUATED; POLYPOSIS, ADENOMATOUS INTESTINAL. Identifiers: MedGen C2713442, MONDO:0021056, OMIM 175100. Disease mechanism: loss of function.

Allele frequency attached by ClinVar (database versions not stated): TOPMed below 0.00001.

Submissions (6):

Labcorp Genetics (formerly Invitae), Labcorp
Classification: Uncertain significance for Familial adenomatous polyposis 1. Last evaluated: 2024-11-06. Review status: criteria provided, single submitter. Criteria: Invitae Variant Classification Sherloc (09022015). Collection method: clinical testing. Allele origin: germline.
Comment: This sequence change replaces proline, which is neutral and non-polar, with alanine, which is neutral and non-polar, at codon 1427 of the APC protein (p.Pro1427Ala). This variant is not present in population databases (gnomAD no frequency). This variant has not been reported in the literature in individuals affected with APC-related conditions. ClinVar contains an entry for this variant (Variation ID: 230312). Invitae Evidence Modeling of protein sequence and biophysical properties (such as structural, functional, and spatial information, amino acid conservation, physicochemical variation, residue mobility, and thermodynamic stability) has been performed for this missense variant. However, the output from this modeling did not meet the statistical confidence thresholds required to predict the impact of this variant on APC protein function. In summary, the available evidence is currently insufficient to determine the role of this variant in disease. Therefore, it has been classified as a Variant of Uncertain Significance.

Ambry Genetics
Classification: Uncertain significance for Hereditary cancer-predisposing syndrome. Last evaluated: 2024-02-13. Review status: criteria provided, single submitter. Criteria: Ambry Variant Classification Scheme 2023. Collection method: clinical testing. Allele origin: germline.
Comment: The p.P1427A variant (also known as c.4279C>G), located in coding exon 15 of the APC gene, results from a C to G substitution at nucleotide position 4279. The proline at codon 1427 is replaced by alanine, an amino acid with highly similar properties. This amino acid position is highly conserved in available vertebrate species. In addition, in silico predictors for this gene do not accurately predict pathogenicity. Since supporting evidence is limited at this time, the clinical significance of this alteration remains unclear.

Color Diagnostics, LLC DBA Color Health
Classification: Uncertain significance for Hereditary cancer-predisposing syndrome. Last evaluated: 2023-12-04. Review status: criteria provided, single submitter. Criteria: ACMG Guidelines, 2015. Collection method: clinical testing. Allele origin: germline.
Comment: This missense variant replaces proline with alanine at codon 1427 of the APC protein. Computational prediction tools and conservation analyses are inconclusive regarding the impact of this variant on protein structure and function. Splice site prediction tools suggest that this variant may not impact RNA splicing. To our knowledge, functional studies have not been performed for this variant. This variant has not been reported in individuals affected with hereditary cancer in the literature. This variant has not been identified in the general population by the Genome Aggregation Database (gnomAD). The available evidence is insufficient to determine the role of this variant in disease conclusively. Therefore, this variant is classified as a Variant of Uncertain Significance.

Baylor Genetics
Classification: Uncertain significance for Familial adenomatous polyposis 1. Last evaluated: 2023-11-19. Review status: criteria provided, single submitter. Criteria: ACMG Guidelines, 2015. Collection method: clinical testing. Allele origin: unknown.

Women's Health and Genetics/Laboratory Corporation of America, LabCorp
Classification: Uncertain significance. Last evaluated: 2021-11-30. Review status: criteria provided, single submitter. Criteria: LabCorp Variant Classification Summary - May 2015. Collection method: clinical testing. Allele origin: germline.

GeneDx
Classification: Uncertain significance. Last evaluated: 2019-10-01. Review status: criteria provided, single submitter. Criteria: GeneDx Variant Classification Process June 2021. Collection method: clinical testing. Allele origin: germline. Affected: yes.
Comment: Not observed in large population cohorts (Lek 2016); In silico analysis, which includes protein predictors and evolutionary conservation, supports a deleterious effect; Has not been previously published as pathogenic or benign to our knowledge